The following is an entry in ClinVar:

NM_004415.4(DSP):c.330_334del (p.Phe111fs)

Gene: DSP (desmoplakin; plus strand). Cytogenetic location: 6p24.3.
Variant type: Deletion.
Coding change: c.330_334del on transcript NM_004415.4 (MANE Select); coding-DNA positions 330 to 334, 5 bases deleted (TTTTG; older notation c.330_334delTTTTG).
Protein change: p.Phe111fs; shifts the reading frame from phenylalanine 111.
Molecular consequence: frameshift variant.
Genome position (GRCh38, 1-based): chr6:7,558,172-7,558,176, TTTTG deleted; deleting any 5 consecutive bases within chr6:7,558,170-7,558,176 gives the same sequence; the c. name uses the placement nearest the transcript's 3' end. VCF-style (leftmost placement, unchanged base first): chr6-7558169-GTGTTT-G. GRCh37 (hg19) VCF-style: chr6-7558402-GTGTTT-G.
Other names: c.330_334del (LRG_423t1); c.330_334del, p.Phe111fs (NM_001008844.3, NM_001319034.2); short protein forms F111fs.
Identifiers: ClinVar variation 658607 (VCV000658607.7), dbSNP rs1581792793, ClinGen allele CA915944137.

ClinVar aggregate classification (germline): Pathogenic (1 of 4 stars; one submission).

Conditions:
Arrhythmogenic cardiomyopathy with wooly hair and keratoderma. Also called: Dilated cardiomyopathy with woolly hair and keratoderma; PALMOPLANTAR KERATODERMA WITH LEFT VENTRICULAR CARDIOMYOPATHY AND WOOLLY HAIR; Arrhythmogenic cardiomyopathy with woolly hair and keratoderma; Carvajal syndrome. Identifiers: Orphanet 65282, MedGen C1854063, MONDO:0011581, OMIM 605676.
Arrhythmogenic right ventricular dysplasia 8 (ARVD8). Also called: Arrhythmogenic Right Ventricular Dysplasia/Cardiomyopathy 8; ARRHYTHMOGENIC RIGHT VENTRICULAR DYSPLASIA, FAMILIAL, 8; ARRHYTHMOGENIC RIGHT VENTRICULAR CARDIOMYOPATHY 8. Identifiers: MedGen C1843896, MONDO:0011831, OMIM 607450.

Submission:

Labcorp Genetics (formerly Invitae), Labcorp
Classification: Pathogenic for Arrhythmogenic cardiomyopathy with wooly hair and keratoderma; Arrhythmogenic right ventricular dysplasia 8. Last evaluated: 2018-12-24. Review status: criteria provided, single submitter. Criteria: Invitae Variant Classification Sherloc (09022015). Collection method: clinical testing. Allele origin: germline.
Comment: This sequence change creates a premature translational stop signal (p.Phe111Profs*4) in the DSP gene. It is expected to result in an absent or disrupted protein product. For these reasons, this variant has been classified as Pathogenic. Loss-of-function variants in DSP are known to be pathogenic (PMID: 20716751, 24503780, 25227139). This variant has not been reported in the literature in individuals with DSP-related conditions. This variant is not present in population databases (ExAC no frequency).

Literature cited by the submitters: PubMed 20716751; PubMed 24503780; PubMed 25227139.